The following is an entry in ClinVar:

NM_000260.4(MYO7A):c.877dup (p.Val293fs)

Gene: MYO7A (myosin VIIA; plus strand). Cytogenetic location: 11q13.5.
Variant type: Duplication.
Coding change: c.877dup on transcript NM_000260.4 (MANE Select); coding-DNA position 877, one base duplicated (G; older notation c.877dupG).
Protein change: p.Val293fs; shifts the reading frame from valine 293.
Molecular consequence: frameshift variant.
Genome position (GRCh38, 1-based): chr11:77,158,304, G duplicated; the last of 3 consecutive G bases (chr11:77,158,302-77,158,304); duplicating any one gives the same sequence. VCF-style (leftmost placement, unchanged base first): chr11-77158301-C-CG. GRCh37 (hg19) VCF-style: chr11-76869347-C-CG.
Other names: c.877dup, p.Val293fs (NM_001127180.2); c.844dup, p.Val282fs (NM_001369365.1); short protein forms V282fs, V293fs.
Identifiers: ClinVar variation 5012055 (VCV005012055.1).

ClinVar aggregate classification (germline): Pathogenic (1 of 4 stars; one submission).

Conditions:
Usher syndrome type 1 (USH1). Also called: RETINITIS PIGMENTOSA AND CONGENITAL DEAFNESS. Identifiers: Orphanet 231169, Orphanet 886, MedGen C1568247, MONDO:0010168, OMIM 276900.

Submission:

Myriad Genetics, Inc.
Classification: Pathogenic for Usher syndrome type 1. Last evaluated: 2023-09-27. Review status: criteria provided, single submitter. Criteria: Myriad Autosomal Dominant, Autosomal Recessive and X-Linked Classification Criteria (2023). Collection method: clinical testing. Allele origin: unknown.
Comment: NM_000260.3(MYO7A):c.877dupG(V293Gfs*20) is expected to be pathogenic in the context of MYO7A-related disorders. This variant is predicted to lead to an abnormal or absent protein product due to the creation of a premature termination codon in MYO7A, a gene where loss-of-function variants are known to be pathogenic. Please note: this variant was assessed in the context of healthy population screening.